The following is an entry in ClinVar:

ClinVar aggregate classification (germline): Likely benign. Review status: criteria provided, multiple submitters, no conflicts (2 of 4 stars). 3 submissions from 3 submitters: Likely benign (3). Last evaluated 2025-11-19.

Conditions:
Hereditary spastic paraplegia 45. Also called: Spastic paraplegia 45, autosomal recessive; SPASTIC PARAPLEGIA 45. Identifiers: Orphanet 320396, MedGen C3888209, MONDO:0013165, OMIM 613162.

Allele frequency attached by ClinVar (database versions not stated): gnomAD 0.00001 and 0.00002; gnomAD exomes 0.00005 and 0.00007; TOPMed 0.00005; ExAC 0.00008; 1000 Genomes Project 30x 0.00016; 1000 Genomes Project 0.00020.
gnomAD v4.1: 75 of 1,606,668 alleles (0.0047%); highest among the groups gnomAD compares: Middle Eastern, 0.1%; 2 homozygotes.

Submissions (3):

Labcorp Genetics (formerly Invitae), Labcorp
Classification: Likely benign for Hereditary spastic paraplegia 45. Last evaluated: 2025-11-19. Review status: criteria provided, single submitter. Criteria: Invitae Variant Classification Sherloc (09022015). Collection method: clinical testing. Allele origin: germline.

Blueprint Genetics
Classification: Likely benign. Last evaluated: 2024-10-08. Review status: criteria provided, single submitter. Criteria: ACMG Guidelines, 2015. Collection method: clinical testing. Allele origin: germline.

CeGaT Center for Human Genetics Tuebingen
Classification: Likely benign. Last evaluated: 2023-02-01. Review status: criteria provided, single submitter. Criteria: CeGaT Center For Human Genetics Tuebingen Variant Classification Criteria Version 2. Collection method: clinical testing. Allele origin: germline. Affected: yes. Observed: 1 variant allele.
Comment: NT5C2: BP4, BP7

NM_001351169.2(NT5C2):c.1671G>A (p.Glu557=)

Genes: CNNM2 (cyclin and CBS domain divalent metal cation transport mediator 2; plus strand), NT5C2 (5'-nucleotidase, cytosolic II; minus strand). Cytogenetic location: 10q24.32.
Variant type: single nucleotide variant.
Coding change: c.1671G>A on transcript NM_001351169.2 (MANE Select); coding-DNA position 1671, G replaced by A.
Protein change: p.Glu557=; no amino-acid change (glutamic acid 557 retained).
Molecular consequence: synonymous variant. On other transcripts: 3 prime UTR variant (2).
Genome position (GRCh38, 1-based): chr10:103,089,687, C>T on the plus strand (G>A on the coding strand, the complement: NT5C2 is on the minus strand). VCF-style: chr10-103089687-C-T. GRCh37 (hg19) VCF-style: chr10-104849444-C-T.
Other names: c.1671G>A, p.Glu557= (NM_001134373.3, NM_012229.5); c.1695G>A, p.Glu565= (NM_001351170.2, NM_001351171.2, NM_001351172.2 and 1 more transcripts); c.1584G>A, p.Glu528= (NM_001351174.1); c.1578G>A, p.Glu526= (NM_001351175.2); c.1098G>A, p.Glu366= (NM_001351176.2, NM_001351177.2, NM_001351178.2 and 16 more transcripts); c.957G>A, p.Glu319= (NM_001351194.2, NM_001351195.2, NM_001351196.2); c.*12507C>T (NM_017649.5, NM_199076.3).
Identifiers: ClinVar variation 474944 (VCV000474944.34), dbSNP rs553419003, ClinGen allele CA5670701.